The following is an entry in ClinVar:

ClinVar aggregate classification (germline): Likely benign. Review status: criteria provided, multiple submitters, no conflicts (2 of 4 stars). 2 submissions from 2 submitters: Likely benign (2). Last evaluated 2025-10-27.

Conditions:
TMEM165-congenital disorder of glycosylation. Also called: Congenital disorder of glycosylation type 2k; TMEM165-CDG; CDG IIk. Identifiers: Orphanet 314667, MedGen C3553571, MONDO:0013870, OMIM 614727.

Allele frequency attached by ClinVar (database versions not stated): gnomAD exomes 0.00007 and 0.00021; ExAC 0.00020; ESP Exome Variant Server 0.00069; gnomAD 0.00073 and 0.00076; TOPMed 0.00075; 1000 Genomes Project 30x 0.00078; 1000 Genomes Project 0.00100.
gnomAD v4.1: 212 of 1,612,092 alleles (0.013%); highest among the groups gnomAD compares: African/African-American, 0.26%; no homozygotes.

Submissions (2):

Labcorp Genetics (formerly Invitae), Labcorp
Classification: Likely benign for TMEM165-congenital disorder of glycosylation. Last evaluated: 2025-10-27. Review status: criteria provided, single submitter. Criteria: Invitae Variant Classification Sherloc (09022015). Collection method: clinical testing. Allele origin: germline.

GeneDx
Classification: Likely benign. Last evaluated: 2016-10-06. Review status: criteria provided, single submitter. Criteria: GeneDx Variant Classification (06012015). Collection method: clinical testing. Allele origin: germline. Affected: yes.
Comment: This variant is considered likely benign or benign based on one or more of the following criteria: it is a conservative change, it occurs at a poorly conserved position in the protein, it is predicted to be benign by multiple in silico algorithms, and/or has population frequency not consistent with disease.

NM_018475.5(TMEM165):c.603T>C (p.Asp201=)

Gene: TMEM165 (transmembrane protein 165; plus strand). Cytogenetic location: 4q12.
Variant type: single nucleotide variant.
Coding change: c.603T>C on transcript NM_018475.5 (MANE Select); coding-DNA position 603, T replaced by C.
Protein change: p.Asp201=; no amino-acid change (aspartic acid 201 retained).
Molecular consequence: synonymous variant. On other transcripts: non-coding transcript variant (1).
Genome position (GRCh38, 1-based): chr4:55,417,241, T>C. VCF-style: chr4-55417241-T-C. GRCh37 (hg19) VCF-style: chr4-56283408-T-C.
Identifiers: ClinVar variation 389418 (VCV000389418.9), dbSNP rs145661285, ClinGen allele CA2925539.